The following is an entry in ClinVar:

NM_005654.6(NR2F1):c.597del (p.Thr200fs)

Gene: NR2F1 (nuclear receptor subfamily 2 group F member 1; plus strand). Cytogenetic location: 5q15.
Variant type: Deletion.
Coding change: c.597del on transcript NM_005654.6 (MANE Select); coding-DNA position 597, one base deleted (C; older notation c.597delC).
Protein change: p.Thr200fs; shifts the reading frame from threonine 200.
Molecular consequence: frameshift variant.
Genome position (GRCh38, 1-based): chr5:93,588,050, C deleted; the last of 4 consecutive C bases (chr5:93,588,047-93,588,050); deleting any one gives the same sequence. VCF-style (leftmost placement, unchanged base first): chr5-93588046-AC-A. GRCh37 (hg19) VCF-style: chr5-92923752-AC-A.
Other names: c.147del, p.Thr50fs (NM_001410754.1); short protein forms T200fs, T50fs.
Identifiers: ClinVar variation 2708042 (VCV002708042.3), dbSNP rs2149942993, ClinGen allele CA2697546267.

ClinVar aggregate classification (germline): Pathogenic (1 of 4 stars; one submission).

Submission:

Labcorp Genetics (formerly Invitae), Labcorp
Classification: Pathogenic. Last evaluated: 2024-01-07. Review status: criteria provided, single submitter. Criteria: Invitae Variant Classification Sherloc (09022015). Collection method: clinical testing. Allele origin: germline.
Comment: This sequence change creates a premature translational stop signal (p.Thr200Argfs*157) in the NR2F1 gene. While this is not anticipated to result in nonsense mediated decay, it is expected to disrupt the last 224 amino acid(s) of the NR2F1 protein. This variant is not present in population databases (gnomAD no frequency). This variant has not been reported in the literature in individuals affected with NR2F1-related conditions. This variant disrupts a region of the NR2F1 protein in which other variant(s) (p.Glu318Gly) have been determined to be pathogenic (Invitae). This suggests that this is a clinically significant region of the protein, and that variants that disrupt it are likely to be disease-causing. For these reasons, this variant has been classified as Pathogenic.